The following is an entry in ClinVar:

ClinVar aggregate classification (germline): Uncertain significance (1 of 4 stars; one submission).

Conditions:
Hereditary thrombocytopenia and hematological cancer predisposition syndrome associated with RUNX1. Also called: Familial Platelet Disorder with Propensity to Acute Myelogenous Leukemia; Familial thrombocytopenia with propensity to acute myelogenous leukemia; PLATELET DISORDER, ASPIRIN-LIKE; RUNX1 Familial Platelet Disorder with Associated Myeloid Malignancies. Identifiers: Orphanet 71290, MedGen C1832388, MeSH C563324, MONDO:0100083, OMIM 601399.

Submission:

Labcorp Genetics (formerly Invitae), Labcorp
Classification: Uncertain significance for Hereditary thrombocytopenia and hematological cancer predisposition syndrome associated with RUNX1. Last evaluated: 2025-11-18. Review status: criteria provided, single submitter. Criteria: Invitae Variant Classification Sherloc (09022015). Collection method: clinical testing. Allele origin: germline.
Comment: This sequence change replaces aspartic acid, which is acidic and polar, with histidine, which is basic and polar, at codon 332 of the RUNX1 protein (p.Asp332His). This variant is not present in population databases (gnomAD no frequency). This missense change has been observed in individual(s) with acute lymphoblastic leukemia (PMID: 34166225). Invitae Evidence Modeling of protein sequence and biophysical properties (such as structural, functional, and spatial information, amino acid conservation, physicochemical variation, residue mobility, and thermodynamic stability) has been performed for this missense variant. However, the output from this modeling did not meet the statistical confidence thresholds required to predict the impact of this variant on RUNX1 protein function. Experimental studies are conflicting or provide insufficient evidence to determine the effect of this variant on RUNX1 function (PMID: 34166225). In summary, the available evidence is currently insufficient to determine the role of this variant in disease. Therefore, it has been classified as a Variant of Uncertain Significance.

Literature cited by the submitters: PubMed 34166225.

NM_001754.5(RUNX1):c.994G>C (p.Asp332His)

Gene: RUNX1 (RUNX family transcription factor 1; minus strand). Cytogenetic location: 21q22.12.
Variant type: single nucleotide variant.
Coding change: c.994G>C on transcript NM_001754.5 (MANE Select); coding-DNA position 994, G replaced by C.
Protein change: p.Asp332His; replaces aspartic acid 332 with histidine.
Molecular consequence: missense variant.
Genome position (GRCh38, 1-based): chr21:34,792,584, C>G on the plus strand (G>C on the coding strand, the complement: RUNX1 is on the minus strand). VCF-style: chr21-34792584-C-G. GRCh37 (hg19) VCF-style: chr21-36164881-C-G.
Other names: c.913G>C, p.Asp305His (NM_001001890.3); short protein forms D305H, D332H.
Identifiers: ClinVar variation 4777189 (VCV004777189.1).
Genomic context (GRCh38, chr21:34,792,584, plus strand): 5'-CGCCTGGATAGTGCATGCGGGGGTCGGAGATGGAGGGCAGCGCGGGGAACTGGCGCGGGT[C>G]GCTGAACGCTGTCAGGTCGGGTGCCGCTGCAGGGCGGGCAAGAGAACGGAGCGGAAGTGA-3'
Protein context (NP_001745.2, residues 322-342): STAPDLTAFS[Asp332His]PRQFPALPSI